The following is an entry in ClinVar:

NM_001261.4(CDK9):c.515G>A (p.Arg172Gln)

Gene: CDK9 (cyclin dependent kinase 9; plus strand). Cytogenetic location: 9q34.11.
Variant type: single nucleotide variant.
Coding change: c.515G>A on transcript NM_001261.4 (MANE Select); coding-DNA position 515, G replaced by A.
Protein change: p.Arg172Gln; replaces arginine 172 with glutamine.
Molecular consequence: missense variant.
Genome position (GRCh38, 1-based): chr9:127,788,296, G>A. VCF-style: chr9-127788296-G-A. GRCh37 (hg19) VCF-style: chr9-130550575-G-A.
Other names: short protein forms R172Q.
Identifiers: ClinVar variation 5034223 (VCV005034223.1).

ClinVar aggregate classification (germline): Uncertain significance (1 of 4 stars; one submission).

Submission:

Ambry Genetics
Classification: Uncertain significance. Last evaluated: 2026-06-22. Review status: criteria provided, single submitter. Criteria: Ambry Variant Classification Scheme 2023. Collection method: clinical testing. Allele origin: germline.
Comment: The c.515G>A (p.R172Q) alteration is located in exon 5 (coding exon 5) of the CDK9 gene. This alteration results from a G to A substitution at nucleotide position 515, causing the arginine (R) at amino acid position 172 to be replaced by a glutamine (Q). Based on data from gnomAD, the A allele has an overall frequency of <0.001% (1/244506) total alleles studied. The highest observed frequency was 0.003% (1/30476) of South Asian alleles. Based on insufficient or conflicting evidence, the clinical significance of this alteration remains unclear.